The following is an entry in ClinVar:

NM_007194.4(CHEK2):c.1390AAG[1] (p.Lys465del)

Gene: CHEK2 (checkpoint kinase 2; minus strand). Cytogenetic location: 22q12.1.
Variant type: Microsatellite.
Coding change: c.1390AAG[1] on transcript NM_007194.4 (MANE Select); one copy of the 3-base unit AAG starting at c.1390; the reference has two copies in a row; one copy, 3 bases deleted.
Protein change: p.Lys465del; deletes lysine 465.
Molecular consequence: inframe deletion. On other transcripts: inframe indel (4).
Genome position (GRCh38, 1-based): chr22:28,694,098-28,694,100, CTT deleted on the plus strand (AAG on the coding strand, the reverse complement: CHEK2 is on the minus strand); deleting any 3 consecutive bases within chr22:28,694,098-28,694,103 gives the same sequence; the position shown is the placement nearest the transcript's 3' end. VCF-style (leftmost placement, unchanged base first): chr22-28694097-ACTT-A. GRCh37 (hg19) VCF-style: chr22-29090085-ACTT-A.
Other names: c.1519_1521AAG[1], p.Lys508del (NM_001005735.3); c.727_729AAG[1], p.Lys244del (NM_001257387.3); c.1189_1191AAG[1], p.Lys398del (NM_001349956.3); c.1303_1305AAG[1], p.Lys436del (NM_145862.3); short protein forms K244del, K398del, K436del, K465del, K508del.
Identifiers: ClinVar variation 1057251 (VCV001057251.13), dbSNP rs2145786206, ClinGen allele CA2580615270.

ClinVar aggregate classification (germline): Uncertain significance. Review status: criteria provided, multiple submitters, no conflicts (2 of 4 stars). 2 submissions from 2 submitters: Uncertain significance (2). Last evaluated 2025-09-04.

Conditions:
Hereditary cancer-predisposing syndrome. Also called: Hereditary Cancer Syndrome; Tumor predisposition; Hereditary neoplastic syndrome; Neoplastic Syndromes, Hereditary. Identifiers: Orphanet 140162, MedGen C0027672, MeSH D009386, MONDO:0015356.
Familial cancer of breast. Also called: BREAST CANCER, FAMILIAL; Hereditary breast cancer; hereditary breast carcinoma. Identifiers: Orphanet 227535, MedGen C0346153, MONDO:0016419, OMIM 114480. Disease mechanism: loss of function.

Submissions (2):

Ambry Genetics
Classification: Uncertain significance for Hereditary cancer-predisposing syndrome. Last evaluated: 2025-09-04. Review status: criteria provided, single submitter. Criteria: Ambry Variant Classification Scheme 2023. Collection method: clinical testing. Allele origin: germline.
Comment: The c.1393_1395delAAG variant (also known as p.K465del) is located in coding exon 12 of the CHEK2 gene. This variant results from an in-frame AAG deletion at nucleotide positions 1393 to 1395. This results in the in-frame deletion of a lysine at codon 465. This amino acid position is highly conserved in available vertebrate species. In addition, this alteration is predicted to be deleterious by in silico analysis (Choi Y et al. PLoS ONE. 2012; 7(10):e46688). Since supporting evidence is limited at this time, the clinical significance of this alteration remains unclear.

Labcorp Genetics (formerly Invitae), Labcorp
Classification: Uncertain significance for Familial cancer of breast. Last evaluated: 2023-07-07. Review status: criteria provided, single submitter. Criteria: Invitae Variant Classification Sherloc (09022015). Collection method: clinical testing. Allele origin: germline.
Comment: In summary, the available evidence is currently insufficient to determine the role of this variant in disease. Therefore, it has been classified as a Variant of Uncertain Significance. Experimental studies and prediction algorithms are not available or were not evaluated, and the functional significance of this variant is currently unknown. ClinVar contains an entry for this variant (Variation ID: 1057251). This variant has not been reported in the literature in individuals affected with CHEK2-related conditions. This variant is not present in population databases (gnomAD no frequency). This variant, c.1393_1395del, results in the deletion of 1 amino acid(s) of the CHEK2 protein (p.Lys465del), but otherwise preserves the integrity of the reading frame.